The following is an entry in ClinVar:

ClinVar aggregate classification (germline): Uncertain significance (1 of 4 stars; one submission).

Conditions:
Welander distal myopathy (WDM). Also called: Welander distal myopathy, Swedish type; Distal myopathy, Swedish type; MUSCULAR DYSTROPHY, DISTAL, LATE-ONSET, AUTOSOMAL DOMINANT; Gower's muscular dystrophy. Identifiers: Orphanet 603, MedGen C0221054, MONDO:0011466, OMIM 604454.

Submission:

Labcorp Genetics (formerly Invitae), Labcorp
Classification: Uncertain significance for Welander distal myopathy. Last evaluated: 2022-06-23. Review status: criteria provided, single submitter. Criteria: Invitae Variant Classification Sherloc (09022015). Collection method: clinical testing. Allele origin: germline.
Comment: This variant, c.183_194del, results in the deletion of 4 amino acid(s) of the TIA1 protein (p.Ala62_Ala65del), but otherwise preserves the integrity of the reading frame. This variant is not present in population databases (gnomAD no frequency). In summary, the available evidence is currently insufficient to determine the role of this variant in disease. Therefore, it has been classified as a Variant of Uncertain Significance. Experimental studies and prediction algorithms are not available or were not evaluated, and the functional significance of this variant is currently unknown. This variant has not been reported in the literature in individuals affected with TIA1-related conditions.

NM_022173.4(TIA1):c.183_194del (p.Ala62_Ala65del)

Gene: TIA1 (TIA1 cytotoxic granule associated RNA binding protein; minus strand). Cytogenetic location: 2p13.3.
Variant type: Deletion.
Coding change: c.183_194del on transcript NM_022173.4 (MANE Select); coding-DNA positions 183 to 194, 12 bases deleted (AGCATTAGCTGC).
Protein change: p.Ala62_Ala65del.
Molecular consequence: inframe deletion. On other transcripts: 5 prime UTR variant (6), non-coding transcript variant (17).
Genome position (GRCh38, 1-based): chr2:70,230,784-70,230,795, GCAGCTAATGCT deleted on the plus strand (AGCATTAGCTGC on the coding strand, the reverse complement: TIA1 is on the minus strand); deleting any 12 consecutive bases within chr2:70,230,784-70,230,801 gives the same sequence; the c. name uses the placement nearest the transcript's 3' end. VCF-style (leftmost placement, unchanged base first): chr2-70230783-AGCAGCTAATGCT-A. GRCh37 (hg19) VCF-style: chr2-70457915-AGCAGCTAATGCT-A.
Other names: c.183_194del, p.Ala62_Ala65del (NM_001351508.2, NM_001351510.2, NM_001351516.2 and 5 more transcripts); c.189_200del, p.Ala64_Ala67del (NM_001351509.2, NM_001351520.2); c.72_83del, p.Ala25_Ala28del (NM_001351511.1, NM_001351513.1); c.78_89del, p.Ala27_Ala30del (NM_001351512.1); c.-13_-2del (NM_001351514.2, NM_001351523.2); c.-207_-196del (NM_001351515.2); c.-456_-445del (NM_001351517.2); c.-233_-222del (NM_001351524.2); and 1 more.
Identifiers: ClinVar variation 2006915 (VCV002006915.4), dbSNP rs2467143899, ClinGen allele CA2580067736.